The following is an entry in ClinVar:

ClinVar aggregate classification (germline): Conflicting classifications of pathogenicity. Review status: criteria provided, conflicting classifications (1 of 4 stars). 7 submissions from 7 submitters: Uncertain significance (3); Likely benign (4). Last evaluated 2025-07-23.

Conditions:
Inborn genetic diseases. Identifiers: MedGen C0950123, MeSH D030342.
Epilepsy, familial focal, with variable foci 3 (FFEVF3). Identifiers: MedGen C4310708, MONDO:0014925, OMIM 617118.

Allele frequency attached by ClinVar (database versions not stated): gnomAD exomes 0.00010; gnomAD 0.00012 and 0.00013; ExAC 0.00018; TOPMed 0.00018; ESP Exome Variant Server 0.00024.
gnomAD v4.1: 353 of 1,559,140 alleles (0.023%); highest among the groups gnomAD compares: Non-Finnish European, 0.029%; no homozygotes.

Submissions (7):

Labcorp Genetics (formerly Invitae), Labcorp
Classification: Uncertain significance for Epilepsy, familial focal, with variable foci 3. Last evaluated: 2025-07-23. Review status: criteria provided, single submitter. Criteria: Invitae Variant Classification Sherloc (09022015). Collection method: clinical testing. Allele origin: germline.
Comment: This sequence change replaces valine, which is neutral and non-polar, with isoleucine, which is neutral and non-polar, at codon 333 of the NPRL3 protein (p.Val333Ile). This variant is present in population databases (rs367664536, gnomAD 0.02%). This variant has not been reported in the literature in individuals affected with NPRL3-related conditions. ClinVar contains an entry for this variant (Variation ID: 476231). Invitae Evidence Modeling of protein sequence and biophysical properties (such as structural, functional, and spatial information, amino acid conservation, physicochemical variation, residue mobility, and thermodynamic stability) indicates that this missense variant is not expected to disrupt NPRL3 protein function with a negative predictive value of 80%. In summary, the available evidence is currently insufficient to determine the role of this variant in disease. Therefore, it has been classified as a Variant of Uncertain Significance.

CeGaT Center for Human Genetics Tuebingen
Classification: Likely benign. Last evaluated: 2025-01-01. Review status: criteria provided, single submitter. Criteria: CeGaT Center For Human Genetics Tuebingen Variant Classification Criteria Version 2. Collection method: clinical testing. Allele origin: germline. Affected: yes. Observed: 1 variant allele.
Comment: NPRL3: BP4

Blueprint Genetics
Classification: Likely benign. Last evaluated: 2024-09-12. Review status: criteria provided, single submitter. Criteria: ACMG Guidelines, 2015. Collection method: clinical testing. Allele origin: germline.

Ambry Genetics
Classification: Likely benign for Inborn genetic diseases. Last evaluated: 2022-11-22. Review status: criteria provided, single submitter. Criteria: Ambry Variant Classification Scheme 2023. Collection method: clinical testing. Allele origin: germline.

Victorian Clinical Genetics Services, Murdoch Childrens Research Institute
Classification: Likely benign for Epilepsy, familial focal, with variable foci 3. Last evaluated: 2022-06-24. Review status: criteria provided, single submitter. Criteria: ACMG Guidelines, 2015. Collection method: clinical testing. Allele origin: germline. Inheritance: Autosomal dominant inheritance. Affected: yes.
Comment: Based on the classification scheme VCGS_Germline_v1.3.4, this variant is classified as Likely benign. Following criteria are met: 0102 - Loss of function is a known mechanism of disease in this gene and is associated with epilepsy, familial focal, with variable foci 3 (MIM#617118). (I) 0107 - This gene is associated with autosomal dominant disease. (I) 0112 - The condition associated with this gene has incomplete penetrance (OMIM, PMID: 26505888). (I) 0200 - Variant is predicted to result in a missense amino acid change from valine to isoleucine. (I) 0251 - This variant is heterozygous. (I) 0308 - Population frequency for this variant is out of keeping with known incidence of epilepsy, familial focal, with variable foci 3 (MIM#617118). (SB) 0504 - Same amino acid change has been observed in placental mammals. (SB) 0600 - Variant is located in the annotated nitrogen permease regulator of amino acid transport activity 3 domain (DECIPHER). (I) 0705 - No comparable missense variants have previous evidence for pathogenicity. (I) 0809 - Previous evidence of pathogenicity for this variant is inconclusive. This variant has been classified as a VUS by two clinical laboratories in ClinVar. (I) 0905 - No published segregation evidence has been identified for this variant. (I) 1007 - No published functional evidence has been identified for this variant. (I) 1208 - Inheritance information for this variant is not currently available in this individual. (I) Legend: (SP) - Supporting pathogenic, (I) - Information, (SB) - Supporting benign

Department of Pathology and Laboratory Medicine, Sinai Health System
Classification: Uncertain significance for Epilepsy, familial focal, with variable foci 3. Last evaluated: 2022-01-21. Review status: criteria provided, single submitter. Criteria: ACMG Guidelines, 2015. Collection method: research. Allele origin: germline.

New York Genome Center
Classification: Uncertain significance for Epilepsy, familial focal, with variable foci 3. Last evaluated: 2019-12-27. Review status: criteria provided, single submitter. Criteria: NYGC Assertion Criteria 2020. Collection method: clinical testing. Allele origin: inherited. Observed: 1 heterozygote. Study: CSER-NYCKidSeq.

Literature cited by the submitters: PubMed 26505888 (cited by Victorian Clinical Genetics Services, Murdoch Childrens Research Institute).

NM_001077350.3(NPRL3):c.997G>A (p.Val333Ile)

Genes: HBA-LCR (alpha-globin locus control region; plus strand), NPRL3 (NPR3 like, GATOR1 complex subunit; minus strand). Cytogenetic location: 16p13.3.
Variant type: single nucleotide variant.
Coding change: c.997G>A on transcript NM_001077350.3 (MANE Select); coding-DNA position 997, G replaced by A.
Protein change: p.Val333Ile; replaces valine 333 with isoleucine.
Molecular consequence: missense variant.
Genome position (GRCh38, 1-based): chr16:93,253, C>T on the plus strand (G>A on the coding strand, the complement: NPRL3 is on the minus strand). VCF-style: chr16-93253-C-T. GRCh37 (hg19) VCF-style: chr16-143251-C-T.
Other names: c.460G>A, p.Val154Ile (NM_001039476.3); c.763G>A, p.Val255Ile (NM_001243247.2); c.922G>A, p.Val308Ile (NM_001243248.2, NM_001243249.2); short protein forms V333I, V308I, V154I, V255I.
Identifiers: ClinVar variation 476231 (VCV000476231.30), dbSNP rs367664536, ClinGen allele CA7769489.